The following is an entry in ClinVar:

ClinVar aggregate classification (germline): Pathogenic (1 of 4 stars; one submission).

Conditions:
Brody myopathy. Also called: BRODY DISEASE. Identifiers: Orphanet 53347, MedGen C1832918, MONDO:0010977, OMIM 601003.

Submission:

Labcorp Genetics (formerly Invitae), Labcorp
Classification: Pathogenic for Brody myopathy. Last evaluated: 2023-04-09. Review status: criteria provided, single submitter. Criteria: Invitae Variant Classification Sherloc (09022015). Collection method: clinical testing. Allele origin: germline.
Comment: This variant has not been reported in the literature in individuals affected with ATP2A1-related conditions. This sequence change creates a premature translational stop signal (p.Cys888*) in the ATP2A1 gene. It is expected to result in an absent or disrupted protein product. Loss-of-function variants in ATP2A1 are known to be pathogenic (PMID: 8841193, 10914677, 23911890). This variant is not present in population databases (gnomAD no frequency). For these reasons, this variant has been classified as Pathogenic.

Literature cited by the submitters: PubMed 8841193; PubMed 10914677; PubMed 23911890.

NM_004320.6(ATP2A1):c.2664_2665del (p.Cys888_Glu889delinsTer)

Gene: ATP2A1 (ATPase sarcoplasmic/endoplasmic reticulum Ca2+ transporting 1; plus strand). Cytogenetic location: 16p11.2.
Variant type: Microsatellite.
Coding change: c.2664_2665del on transcript NM_004320.6 (MANE Select); coding-DNA positions 2664 to 2665, 2 bases deleted (TG; older notation c.2664_2665delTG).
Protein change: p.Cys888_Glu889delinsTer.
Molecular consequence: nonsense.
Genome position (GRCh38, 1-based): chr16:28,902,831-28,902,832, TG deleted; deleting any 2 consecutive bases within chr16:28,902,829-28,902,832 gives the same sequence; the c. name uses the placement nearest the transcript's 3' end. VCF-style (leftmost placement, unchanged base first): chr16-28902828-CTG-C. GRCh37 (hg19) VCF-style: chr16-28914149-CTG-C.
Other names: c.2289_2290del, p.Cys763_Glu764delinsTer (NM_001286075.2); c.2664_2665del, p.Cys888_Glu889delinsTer (NM_173201.5).
Identifiers: ClinVar variation 3016794 (VCV003016794.3), dbSNP rs1964121186, ClinGen allele CA2215888515.